The following is an entry in ClinVar:

ClinVar aggregate classification (germline): Pathogenic (1 of 4 stars; one submission).

Conditions:
Breast-ovarian cancer, familial, susceptibility to, 1 (BROVCA1). Also called: BRCA1 Hereditary Breast and Ovarian Cancer; OVARIAN CANCER, SUSCEPTIBILITY TO. Identifiers: Orphanet 145, MedGen C2676676, MONDO:0011450, OMIM 604370. Disease mechanism: loss of function.

Submission:

Department of Medical Genetics, Oslo University Hospital
Classification: Pathogenic for Breast-ovarian cancer, familial, susceptibility to, 1. Last evaluated: 2017-01-19. Review status: criteria provided, single submitter. Criteria: ACMG Guidelines, 2015. Collection method: clinical testing. Allele origin: germline. Affected: yes. Observed: 3 variant alleles.
Comment: Heterozygous deletion of exon 4, 5 and partially 6 (also known as exon 5-6 and partially 7)

NC_000017.10:g.(41251852_41256215)_(41258551_41267742)del

Gene: BRCA1 (BRCA1 DNA repair associated; minus strand). Cytogenetic location: 17q21.31.
Variant type: Deletion.
Identifiers: ClinVar variation 440443 (VCV000440443.1).